The following is an entry in ClinVar:

NM_006420.3(ARFGEF2):c.4756-7C>T

Gene: ARFGEF2 (ARF guanine nucleotide exchange factor 2; plus strand). Cytogenetic location: 20q13.13.
Variant type: single nucleotide variant.
Coding change: c.4756-7C>T on transcript NM_006420.3 (MANE Select); 7 bases into the intron before coding-DNA position 4756, C replaced by T.
Molecular consequence: intron variant.
Genome position (GRCh38, 1-based): chr20:49,025,306, C>T. VCF-style: chr20-49025306-C-T. GRCh37 (hg19) VCF-style: chr20-47641843-C-T.
Identifiers: ClinVar variation 434291 (VCV000434291.8), dbSNP rs868504867, ClinGen allele CA315916045.

ClinVar aggregate classification (germline): Uncertain significance. Review status: criteria provided, single submitter (1 of 4 stars). 2 submissions from 2 submitters: Uncertain significance (1). 1 of the submissions does not count toward it. Last evaluated 2016-05-05.

Conditions:
ARFGEF2-related disorder. Also called: ARFGEF2-related condition.

Allele frequency attached by ClinVar (database versions not stated): gnomAD exomes 0.00002.
gnomAD v4.1: 13 of 1,606,710 alleles (0.00081%); highest among the groups gnomAD compares: Middle Eastern, 0.22%; 1 homozygote.

Submissions (2):

Genetic Services Laboratory, University of Chicago
Classification: Uncertain significance. Last evaluated: 2016-05-05. Review status: criteria provided, single submitter. Criteria: ACMG Guidelines, 2015. Collection method: clinical testing. Allele origin: germline. Affected: no.

PreventionGenetics, part of Exact Sciences
Classification: Likely benign for ARFGEF2-related condition. Last evaluated: 2019-03-01. Review status: no assertion criteria provided. Collection method: clinical testing. Allele origin: germline. Not counted in ClinVar's aggregate classification.
Comment: This variant is classified as likely benign based on ACMG/AMP sequence variant interpretation guidelines (Richards et al. 2015 PMID: 25741868, with internal and published modifications).